The following is an entry in ClinVar:

ClinVar aggregate classification (germline): Uncertain significance (1 of 4 stars; one submission).

Conditions:
SEMA3G-related disorder. Also called: SEMA3G-related condition.

gnomAD v4.1: 96 of 1,609,438 alleles (0.006%); highest among the groups gnomAD compares: Middle Eastern, 0.017%; no homozygotes.

Submission:

PreventionGenetics, part of Exact Sciences
Classification: Uncertain significance for SEMA3G-related condition. Last evaluated: 2026-08-20. Review status: criteria provided, single submitter. Criteria: ACMG Guidelines, 2015. Collection method: clinical testing. Allele origin: germline.
Comment: The SEMA3G c.2345C>A variant is predicted to result in the amino acid substitution p.Thr782Lys. To our knowledge, this variant has not been reported in the literature. This variant is reported in 0.0055% of alleles in individuals of East Asian descent in gnomAD. At this time, the clinical significance of this variant is uncertain due to the absence of conclusive functional and genetic evidence.

NM_020163.3(SEMA3G):c.2345C>A (p.Thr782Lys)

Gene: SEMA3G (semaphorin 3G; minus strand). Cytogenetic location: 3p21.1.
Variant type: single nucleotide variant.
Coding change: c.2345C>A on transcript NM_020163.3 (MANE Select); coding-DNA position 2345, C replaced by A.
Protein change: p.Thr782Lys; replaces threonine 782 with lysine.
Molecular consequence: missense variant.
Genome position (GRCh38, 1-based): chr3:52,435,607, G>T on the plus strand (C>A on the coding strand, the complement: SEMA3G is on the minus strand). VCF-style: chr3-52435607-G-T. GRCh37 (hg19) VCF-style: chr3-52469623-G-T.
Other names: short protein forms T782K.
Identifiers: ClinVar variation 4986967 (VCV004986967.1).